The following is an entry in ClinVar:

ClinVar aggregate classification (germline): Uncertain significance (1 of 4 stars; one submission).

gnomAD v4.1: 2 of 1,580,590 alleles (0.00013%); highest among the groups gnomAD compares: Non-Finnish European, 0.00017%; no homozygotes.

Submission:

Ambry Genetics
Classification: Uncertain significance. Last evaluated: 2025-08-20. Review status: criteria provided, single submitter. Criteria: Ambry Variant Classification Scheme 2023. Collection method: clinical testing. Allele origin: germline.
Comment: The p.S1716N variant (also known as c.5147G>A), located in coding exon 22 of the WNK2 gene, results from a G to A substitution at nucleotide position 5147. The serine at codon 1716 is replaced by asparagine, an amino acid with highly similar properties. This amino acid position is conserved. In addition, this alteration is predicted to be tolerated by in silico analysis. Based on the available evidence, the clinical significance of this variant remains unclear.

NM_006648.4(WNK2):c.5147G>A (p.Ser1716Asn)

Gene: WNK2 (WNK lysine deficient protein kinase 2; plus strand). Cytogenetic location: 9q22.31.
Variant type: single nucleotide variant.
Coding change: c.5147G>A on transcript NM_006648.4 (MANE Select); coding-DNA position 5147, G replaced by A.
Protein change: p.Ser1716Asn; replaces serine 1716 with asparagine.
Molecular consequence: missense variant.
Genome position (GRCh38, 1-based): chr9:93,292,612, G>A. VCF-style: chr9-93292612-G-A. GRCh37 (hg19) VCF-style: chr9-96054894-G-A.
Other names: c.5258G>A, p.Ser1753Asn (NM_001282394.3); short protein forms S1753N, S1716N.
Identifiers: ClinVar variation 4201770 (VCV004201770.1).
Genomic context (GRCh38, chr9:93,292,612, plus strand): 5'-CTGGAGAAAGCTCGGCAGAGCCCCCGCCGAGTGACATGGGCACAGTGGGGGGCCAGGCTA[G>A]CCACCCCCAGACACTCGGCGCTCGAGCTTTGGGGTCCCCTCGGAAACGTCCAGAGCAGCA-3'
Protein context (NP_006639.3, residues 1706-1726): SDMGTVGGQA[Ser1716Asn]HPQTLGARAL